The following is an entry in ClinVar:

ClinVar aggregate classification (germline): Benign/Likely benign. Review status: criteria provided, multiple submitters, no conflicts (2 of 4 stars). 4 submissions from 4 submitters: Benign (1); Likely benign (3). Last evaluated 2026-01-31.

Conditions:
Microcephalic osteodysplastic primordial dwarfism type II (MOPD2). Also called: Microcephalic osteodysplastic primordial dwarfism with tooth abnormalities; OSTEODYSPLASTIC PRIMORDIAL DWARFISM, TYPE II; MOPD II. Identifiers: Orphanet 2637, MedGen C0432246, MONDO:0008872, OMIM 210720.

Allele frequency attached by ClinVar (database versions not stated): gnomAD exomes 0.00025 and 0.00060; ExAC 0.00076; ESP Exome Variant Server 0.00223; gnomAD 0.00224 and 0.00240; TOPMed 0.00254; 1000 Genomes Project 0.00319; 1000 Genomes Project 30x 0.00328.
gnomAD v4.1: 720 of 1,610,890 alleles (0.045%); highest among the groups gnomAD compares: African/African-American, 0.85%; 2 homozygotes.

Submissions (4):

Labcorp Genetics (formerly Invitae), Labcorp
Classification: Benign. Last evaluated: 2026-01-31. Review status: criteria provided, single submitter. Criteria: Invitae Variant Classification Sherloc (09022015). Collection method: clinical testing. Allele origin: germline.

Blueprint Genetics
Classification: Likely benign. Last evaluated: 2024-06-10. Review status: criteria provided, single submitter. Criteria: ACMG Guidelines, 2015. Collection method: clinical testing. Allele origin: germline.

GeneDx
Classification: Likely benign. Last evaluated: 2018-02-13. Review status: criteria provided, single submitter. Criteria: GeneDx Variant Classification (06012015). Collection method: clinical testing. Allele origin: germline. Affected: yes.
Comment: This variant is considered likely benign or benign based on one or more of the following criteria: it is a conservative change, it occurs at a poorly conserved position in the protein, it is predicted to be benign by multiple in silico algorithms, and/or has population frequency not consistent with disease.

Illumina Laboratory Services, Illumina
Classification: Likely benign for Microcephalic osteodysplastic primordial dwarfism type II. Last evaluated: 2018-01-12. Review status: criteria provided, single submitter. Criteria: ICSL Variant Classification Criteria 13 December 2019. Collection method: clinical testing. Allele origin: germline.
Comment: This variant was observed in the ICSL laboratory as part of a predisposition screen in an ostensibly healthy population. It had not been previously curated by ICSL or reported in the Human Gene Mutation Database (HGMD: prior to June 1st, 2018), and was therefore a candidate for classification through an automated scoring system. Utilizing variant allele frequency, disease prevalence and penetrance estimates, and inheritance mode, an automated score was calculated to assess if this variant is too frequent to cause the disease. Based on the score and internal cut-off values, a variant classified as likely benign is not then subjected to further curation. The score for this variant resulted in a classification of likely benign for this disease.

NM_006031.6(PCNT):c.7495-13A>G

Gene: PCNT (pericentrin; plus strand). Cytogenetic location: 21q22.3.
Variant type: single nucleotide variant.
Coding change: c.7495-13A>G on transcript NM_006031.6 (MANE Select); 13 bases into the intron before coding-DNA position 7495, A replaced by G.
Molecular consequence: intron variant.
Genome position (GRCh38, 1-based): chr21:46,428,382, A>G. VCF-style: chr21-46428382-A-G. GRCh37 (hg19) VCF-style: chr21-47848296-A-G.
Other names: c.7141-13A>G (NM_001315529.2).
Identifiers: ClinVar variation 515403 (VCV000515403.13), dbSNP rs114588443, ClinGen allele CA10080693.